The following is an entry in ClinVar:

ClinVar aggregate classification (germline): Uncertain significance (1 of 4 stars; one submission).

Conditions:
Dilated cardiomyopathy 1KK (CMD1KK). Identifiers: Orphanet 154, Orphanet 75249, MedGen C3714995, MONDO:0014100, OMIM 615248.

Submission:

Labcorp Genetics (formerly Invitae), Labcorp
Classification: Uncertain significance for Dilated cardiomyopathy 1KK. Last evaluated: 2018-04-09. Review status: criteria provided, single submitter. Criteria: Invitae Variant Classification Sherloc (09022015). Collection method: clinical testing. Allele origin: germline.
Comment: This sequence change replaces isoleucine with asparagine at codon 215 of the MYPN protein (p.Ile215Asn). The isoleucine residue is moderately conserved and there is a large physicochemical difference between isoleucine and asparagine. This variant is not present in population databases (ExAC no frequency). This variant has not been reported in the literature in individuals with MYPN-related disease. Algorithms developed to predict the effect of missense changes on protein structure and function (SIFT, PolyPhen-2, Align-GVGD) all suggest that this variant is likely to be tolerated, but these predictions have not been confirmed by published functional studies and their clinical significance is uncertain. In summary, the available evidence is currently insufficient to determine the role of this variant in disease. Therefore, it has been classified as a Variant of Uncertain Significance.

NM_032578.4(MYPN):c.644T>A (p.Ile215Asn)

Gene: MYPN (myopalladin; plus strand). Cytogenetic location: 10q21.3.
Variant type: single nucleotide variant.
Coding change: c.644T>A on transcript NM_032578.4 (MANE Select); coding-DNA position 644, T replaced by A.
Protein change: p.Ile215Asn; replaces isoleucine 215 with asparagine.
Molecular consequence: missense variant. On other transcripts: 5 prime UTR variant (1), non-coding transcript variant (1).
Genome position (GRCh38, 1-based): chr10:68,122,082, T>A. VCF-style: chr10-68122082-T-A. GRCh37 (hg19) VCF-style: chr10-69881839-T-A.
Other names: c.644T>A, p.Ile215Asn (NM_001256267.2); c.-479T>A (NM_001256268.2); short protein forms I215N.
Identifiers: ClinVar variation 573732 (VCV000573732.8), dbSNP rs1369263795, ClinGen allele CA377104811.